The following is an entry in ClinVar:

ClinVar aggregate classification (germline): Uncertain significance (1 of 4 stars; one submission).

Conditions:
Inborn genetic diseases. Identifiers: MedGen C0950123, MeSH D030342.

Submission:

Ambry Genetics
Classification: Uncertain significance for Inborn genetic diseases. Last evaluated: 2026-08-01. Review status: criteria provided, single submitter. Criteria: Ambry Variant Classification Scheme 2023. Collection method: clinical testing. Allele origin: germline.
Comment: The p.I84M variant (also known as c.252C>G), located in coding exon 3 of the AKT1 gene, results from a C to G substitution at nucleotide position 252. The isoleucine at codon 84 is replaced by methionine, an amino acid with highly similar properties. This amino acid position is conserved. In addition, the in silico prediction for this alteration is inconclusive. Based on the available evidence, the clinical significance of this variant remains unclear.

NM_001382430.1(AKT1):c.252C>G (p.Ile84Met)

Gene: AKT1 (AKT serine/threonine kinase 1; minus strand). Cytogenetic location: 14q32.33.
Variant type: single nucleotide variant.
Coding change: c.252C>G on transcript NM_001382430.1 (MANE Select); coding-DNA position 252, C replaced by G.
Protein change: p.Ile84Met; replaces isoleucine 84 with methionine.
Molecular consequence: missense variant.
Genome position (GRCh38, 1-based): chr14:104,776,694, G>C on the plus strand (C>G on the coding strand, the complement: AKT1 is on the minus strand). VCF-style: chr14-104776694-G-C. GRCh37 (hg19) VCF-style: chr14-105243031-G-C.
Other names: c.252C>G, p.Ile84Met (NM_001014431.2, NM_001014432.2, NM_001382431.1 and 3 more transcripts); short protein forms I84M.
Identifiers: ClinVar variation 5034413 (VCV005034413.1).
Genomic context (GRCh38, chr14:104,776,694, plus strand): 5'-GGCCTGGCCGCCACAGCCCACGTACCGCTCCTCAGGAGTCTCCACATGGAAGGTGCGTTC[G>C]ATGACAGTGGTCCACTGCAGGCAGCGGATGATGAAGGTGTTGGGCCGGGGCCGCTCCGTC-3'
Protein context (NP_001369359.1, residues 74-94): IIRCLQWTTV[Ile84Met]ERTFHVETPE